The following is an entry in ClinVar:

ClinVar aggregate classification (germline): Uncertain significance (1 of 4 stars; one submission).

Conditions:
Neurodevelopmental disorder with visual defects and brain anomalies. Identifiers: MedGen C5231404, MONDO:0032807, OMIM 618547.

Submission:

MVZ Medizinische Genetik Mainz
Classification: Uncertain significance for Neurodevelopmental disorder with visual defects and brain anomalies. Last evaluated: 2026-01-16. Review status: criteria provided, single submitter. Criteria: UK Practice Guidelines For Variant Classification V4 01 2020. Collection method: clinical testing. Allele origin: germline. Inheritance: Autosomal dominant inheritance. Affected: yes. Observed: 1 variant allele.
Comment: ACMG Criteria: PM2_SUP,PP2,PP3

NM_000188.3(HK1):c.2441A>C (p.Asp814Ala)

Gene: HK1 (hexokinase 1; plus strand). Cytogenetic location: 10q22.1.
Variant type: single nucleotide variant.
Coding change: c.2441A>C on transcript NM_000188.3 (MANE Select); coding-DNA position 2441, A replaced by C.
Protein change: p.Asp814Ala; replaces aspartic acid 814 with alanine.
Molecular consequence: missense variant. On other transcripts: non-coding transcript variant (2), intron variant (1).
Genome position (GRCh38, 1-based): chr10:69,398,660, A>C. VCF-style: chr10-69398660-A-C. GRCh37 (hg19) VCF-style: chr10-71158416-A-C.
Other names: c.2453A>C, p.Asp818Ala (NM_001322364.2, NM_001358263.1, NM_033497.3 and 1 more transcripts); c.2546A>C, p.Asp849Ala (NM_001322365.2); c.2357A>C, p.Asp786Ala (NM_001322366.1, NM_001441143.1); c.2345A>C, p.Asp782Ala (NM_001322367.1); c.2438A>C, p.Asp813Ala (NM_001441139.1, NM_033496.3); c.2432A>C, p.Asp811Ala (NM_001441140.1); c.2441A>C, p.Asp814Ala (NM_001441141.1); c.2399A>C, p.Asp800Ala (NM_001441142.1); and 10 more; short protein forms D478A, D576A, D601A, D684A, D692A, D740A, D762A, D774A.
Identifiers: ClinVar variation 4688155 (VCV004688155.1).
Genomic context (GRCh38, chr10:69,398,660, plus strand): 5'-GATTAGCACTGCTCCAGGTCCGGGCTATCCTCCAGCAGCTAGGTCTGAATAGCACCTGCG[A>C]TGACAGTATCCTCGTCAAGACAGTGTGCGGGGTGGTGTCCAGGAGGGCCGCACAGCTGTG-3'
Protein context (NP_000179.2, residues 804-824): LQQLGLNSTC[Asp814Ala]DSILVKTVCG